The following is an entry in ClinVar:

ClinVar aggregate classification (germline): Likely benign (1 of 4 stars; one submission).

gnomAD v4.1: 11,029 of 1,610,178 alleles (0.68%); highest among the groups gnomAD compares: Non-Finnish European, 0.75%; 68 homozygotes.

Submission:

CeGaT Center for Human Genetics Tuebingen
Classification: Likely benign. Last evaluated: 2025-02-01. Review status: criteria provided, single submitter. Criteria: CeGaT Center For Human Genetics Tuebingen Variant Classification Criteria Version 2. Collection method: clinical testing. Allele origin: germline. Affected: yes. Observed: 1 variant allele.
Comment: SMYD1: BS1

NM_198274.4(SMYD1):c.1321C>T (p.Arg441Trp)

Gene: SMYD1 (SET and MYND domain containing 1; plus strand). Cytogenetic location: 2p11.2.
Variant type: single nucleotide variant.
Coding change: c.1321C>T on transcript NM_198274.4 (MANE Select); coding-DNA position 1321, C replaced by T.
Protein change: p.Arg441Trp; replaces arginine 441 with tryptophan.
Molecular consequence: missense variant.
Genome position (GRCh38, 1-based): chr2:88,110,360, C>T. VCF-style: chr2-88110360-C-T. GRCh37 (hg19) VCF-style: chr2-88409879-C-T.
Other names: c.1282C>T, p.Arg428Trp (NM_001330364.2); short protein forms R428W, R441W.
Identifiers: ClinVar variation 3770452 (VCV003770452.13).